The following is an entry in ClinVar:

NM_001212.4(C1QBP):c.384-7G>A

Gene: C1QBP (complement C1q binding protein; minus strand). Cytogenetic location: 17p13.2.
Variant type: single nucleotide variant.
Coding change: c.384-7G>A on transcript NM_001212.4 (MANE Select); 7 bases into the intron before coding-DNA position 384, G replaced by A.
Molecular consequence: intron variant.
Genome position (GRCh38, 1-based): chr17:5,434,973, C>T on the plus strand (G>A on the coding strand, the complement: C1QBP is on the minus strand). VCF-style: chr17-5434973-C-T. GRCh37 (hg19) VCF-style: chr17-5338293-C-T.
Identifiers: ClinVar variation 1694814 (VCV001694814.34), dbSNP rs772201874, ClinGen allele CA8325296.

ClinVar aggregate classification (germline): Likely benign. Review status: criteria provided, multiple submitters, no conflicts (2 of 4 stars). 2 submissions from 2 submitters: Likely benign (2). Last evaluated 2025-09-30.

Allele frequency attached by ClinVar (database versions not stated): gnomAD 0.00002.
gnomAD v4.1: 10 of 1,611,808 alleles (0.00062%); highest among the groups gnomAD compares: African/African-American, 0.0027%; no homozygotes.

Submissions (2):

Labcorp Genetics (formerly Invitae), Labcorp
Classification: Likely benign. Last evaluated: 2025-09-30. Review status: criteria provided, single submitter. Criteria: Invitae Variant Classification Sherloc (09022015). Collection method: clinical testing. Allele origin: germline.

CeGaT Center for Human Genetics Tuebingen
Classification: Likely benign. Last evaluated: 2022-05-01. Review status: criteria provided, single submitter. Criteria: CeGaT Center For Human Genetics Tuebingen Variant Classification Criteria Version 2. Collection method: clinical testing. Allele origin: germline. Affected: yes. Observed: 1 variant allele.
Comment: C1QBP: BP4